The following is an entry in ClinVar:

ClinVar aggregate classification (germline): Conflicting classifications of pathogenicity. Review status: criteria provided, conflicting classifications (1 of 4 stars). 5 submissions from 5 submitters: Uncertain significance (1); Likely benign (3). 1 of the submissions does not count toward it. Last evaluated 2025-12-16.

Conditions:
BMP1-related disorder. Also called: BMP1-related condition.

Allele frequency attached by ClinVar (database versions not stated): 1000 Genomes Project 30x 0.00016; 1000 Genomes Project 0.00020.
gnomAD v4.1: 189 of 1,613,830 alleles (0.012%); highest among the groups gnomAD compares: Non-Finnish European, 0.013%; no homozygotes.

Submissions (5):

Labcorp Genetics (formerly Invitae), Labcorp
Classification: Likely benign. Last evaluated: 2025-12-16. Review status: criteria provided, single submitter. Criteria: Invitae Variant Classification Sherloc (09022015). Collection method: clinical testing. Allele origin: germline.

CeGaT Center for Human Genetics Tuebingen
Classification: Likely benign. Last evaluated: 2025-06-01. Review status: criteria provided, single submitter. Criteria: CeGaT Center For Human Genetics Tuebingen Variant Classification Criteria Version 2. Collection method: clinical testing. Allele origin: germline. Affected: yes. Observed: 1 variant allele.
Comment: BMP1: BP4

Women's Health and Genetics/Laboratory Corporation of America, LabCorp
Classification: Uncertain significance. Last evaluated: 2025-02-24. Review status: criteria provided, single submitter. Criteria: LabCorp Variant Classification Summary - May 2015. Collection method: clinical testing. Allele origin: germline.
Comment: Variant summary: BMP1 c.1766-4G>A alters a conserved nucleotide located close to a canonical splice site and therefore could affect mRNA splicing, leading to a significantly altered protein sequence. Consensus agreement among computation tools predict no significant impact on normal splicing. However, these predictions have yet to be confirmed by functional studies. The variant allele was found at a frequency of 0.0002 in 250794 control chromosomes. This frequency is not significantly higher than estimated for a pathogenic variant in BMP1 causing Osteogenesis Imperfecta (0.0002 vs 0.0011), allowing no conclusion about variant significance. To our knowledge, no occurrence of c.1766-4G>A in individuals affected with Osteogenesis Imperfecta and no experimental evidence demonstrating its impact on protein function have been reported. ClinVar contains an entry for this variant (Variation ID: 2184708). Based on the evidence outlined above, the variant was classified as uncertain significance.

Blueprint Genetics
Classification: Likely benign. Last evaluated: 2023-04-12. Review status: criteria provided, single submitter. Criteria: ACMG Guidelines, 2015. Collection method: clinical testing. Allele origin: germline.

PreventionGenetics, part of Exact Sciences
Classification: Likely benign for BMP1-related condition. Last evaluated: 2022-05-26. Review status: no assertion criteria provided. Collection method: clinical testing. Allele origin: germline. Not counted in ClinVar's aggregate classification.
Comment: This variant is classified as likely benign based on ACMG/AMP sequence variant interpretation guidelines (Richards et al. 2015 PMID: 25741868, with internal and published modifications).

NM_006129.5(BMP1):c.1766-4G>A

Gene: BMP1 (bone morphogenetic protein 1; plus strand). Cytogenetic location: 8p21.3.
Variant type: single nucleotide variant.
Coding change: c.1766-4G>A on transcript NM_006129.5 (MANE Select); 4 bases into the intron before coding-DNA position 1766, G replaced by A.
Molecular consequence: intron variant.
Genome position (GRCh38, 1-based): chr8:22,196,676, G>A. VCF-style: chr8-22196676-G-A. GRCh37 (hg19) VCF-style: chr8-22054189-G-A.
Other names: c.1766-4G>A (NM_006129.4, NM_001199.4).
Identifiers: ClinVar variation 2184708 (VCV002184708.16), dbSNP rs201714147, ClinGen allele CA4664846.